The following is an entry in ClinVar:

ClinVar aggregate classification (germline): Uncertain significance (1 of 4 stars; one submission).

Conditions:
Epidermolysis bullosa simplex 5C, with pyloric atresia (EBS5C). Also called: Epidermolysis bullosa simplex with pyloric atresia; PLEC-Related Epidermolysis Bullosa with Pyloric Atresia; PLEC1-Related Epidermolysis Bullosa with Pyloric Atresia. Identifiers: Orphanet 158684, MedGen C2677349, MONDO:0012807, OMIM 612138.
Epidermolysis bullosa simplex with nail dystrophy (EBS5D). Identifiers: MedGen C4225309, MONDO:0014661, OMIM 616487.
Epidermolysis bullosa simplex 5B, with muscular dystrophy (EBS5B). Also called: Epidermolysis bullosa simplex with muscular dystrophy; EPIDERMOLYSIS BULLOSA SIMPLEX AND LIMB-GIRDLE MUSCULAR DYSTROPHY. Identifiers: Orphanet 257, MedGen C2931072, MONDO:0009181, OMIM 226670.
Autosomal recessive limb-girdle muscular dystrophy type 2Q (LGMDR17). Also called: MUSCULAR DYSTROPHY, LIMB-GIRDLE, AUTOSOMAL RECESSIVE 17. Identifiers: Orphanet 254361, MedGen C3150989, MONDO:0013390, OMIM 613723.
Epidermolysis bullosa simplex, Ogna type (EBS5A). Also called: Pidermolysis bullosa simplex 5A, Ogna type; EPIDERMOLYSIS BULLOSA SIMPLEX 5A, OGNA TYPE. Identifiers: Orphanet 79401, MedGen C0432317, MONDO:0007555, OMIM 131950.

gnomAD v4.1: 2 of 1,588,014 alleles (0.00013%); highest among the groups gnomAD compares: Non-Finnish European, 0.00017%; no homozygotes.

Submission:

Labcorp Genetics (formerly Invitae), Labcorp
Classification: Uncertain significance for Autosomal recessive limb-girdle muscular dystrophy type 2Q; Epidermolysis bullosa simplex, Ogna type; Epidermolysis bullosa simplex with nail dystrophy; Epidermolysis bullosa simplex 5C, with pyloric atresia; Epidermolysis bullosa simplex 5B, with muscular dystrophy. Last evaluated: 2021-09-02. Review status: criteria provided, single submitter. Criteria: Invitae Variant Classification Sherloc (09022015). Collection method: clinical testing. Allele origin: germline.
Comment: This sequence change replaces arginine with leucine at codon 1588 of the PLEC protein (p.Arg1588Leu). The arginine residue is highly conserved and there is a moderate physicochemical difference between arginine and leucine. This variant is not present in population databases (ExAC no frequency). This variant has not been reported in the literature in individuals affected with PLEC-related conditions. Algorithms developed to predict the effect of missense changes on protein structure and function (SIFT, PolyPhen-2, Align-GVGD) all suggest that this variant is likely to be disruptive. In summary, the available evidence is currently insufficient to determine the role of this variant in disease. Therefore, it has been classified as a Variant of Uncertain Significance.

NM_201384.3(PLEC):c.4682G>T (p.Arg1561Leu)

Gene: PLEC (plectin; minus strand). Cytogenetic location: 8q24.3.
Variant type: single nucleotide variant.
Coding change: c.4682G>T on transcript NM_201384.3 (MANE Select); coding-DNA position 4682, G replaced by T.
Protein change: p.Arg1561Leu; replaces arginine 1561 with leucine.
Molecular consequence: missense variant.
Genome position (GRCh38, 1-based): chr8:143,925,247, C>A on the plus strand (G>T on the coding strand, the complement: PLEC is on the minus strand). VCF-style: chr8-143925247-C-A. GRCh37 (hg19) VCF-style: chr8-144999415-C-A.
Other names: c.4763G>T, p.Arg1588Leu (NM_000445.5); c.4640G>T, p.Arg1547Leu (NM_201378.4); c.4616G>T, p.Arg1539Leu (NM_201379.3); c.5093G>T, p.Arg1698Leu (NM_201380.4); c.4586G>T, p.Arg1529Leu (NM_201381.3); c.4682G>T, p.Arg1561Leu (NM_201382.4); c.4694G>T, p.Arg1565Leu (NM_201383.3); short protein forms R1529L, R1539L, R1698L, R1561L, R1547L, R1565L, R1588L.
Identifiers: ClinVar variation 1399578 (VCV001399578.5), dbSNP rs376840697, ClinGen allele CA372554075.